The following is an entry in ClinVar:

NM_022575.4(VPS16):c.54-4G>A

Gene: VPS16 (VPS16 core subunit of CORVET and HOPS complexes; plus strand). Cytogenetic location: 20p13.
Variant type: single nucleotide variant.
Coding change: c.54-4G>A on transcript NM_022575.4 (MANE Select); 4 bases into the intron before coding-DNA position 54, G replaced by A.
Molecular consequence: intron variant.
Genome position (GRCh38, 1-based): chr20:2,859,715, G>A. VCF-style: chr20-2859715-G-A. GRCh37 (hg19) VCF-style: chr20-2840361-G-A.
Other names: c.54-4G>A (NM_080413.3).
Identifiers: ClinVar variation 2652155 (VCV002652155.24), dbSNP rs751060991, ClinGen allele CA9737242.

ClinVar aggregate classification (germline): Likely benign (1 of 4 stars; one submission).

Allele frequency attached by ClinVar (database versions not stated): ExAC 0.00002; gnomAD 0.00002; TOPMed 0.00003.
gnomAD v4.1: 35 of 1,613,316 alleles (0.0022%); highest among the groups gnomAD compares: Admixed American, 0.005%; no homozygotes.

Submission:

CeGaT Center for Human Genetics Tuebingen
Classification: Likely benign. Last evaluated: 2022-03-01. Review status: criteria provided, single submitter. Criteria: CeGaT Center For Human Genetics Tuebingen Variant Classification Criteria Version 2. Collection method: clinical testing. Allele origin: germline. Affected: yes. Observed: 1 variant allele.
Comment: VPS16: BP4, BS2